The following is an entry in ClinVar:

NM_001849.4(COL6A2):c.1399G>C (p.Asp467His)

Gene: COL6A2 (collagen type VI alpha 2 chain; plus strand). Cytogenetic location: 21q22.3.
Variant type: single nucleotide variant.
Coding change: c.1399G>C on transcript NM_001849.4 (MANE Select); coding-DNA position 1399, G replaced by C.
Protein change: p.Asp467His; replaces aspartic acid 467 with histidine.
Molecular consequence: missense variant.
Genome position (GRCh38, 1-based): chr21:46,121,064, G>C. VCF-style: chr21-46121064-G-C. GRCh37 (hg19) VCF-style: chr21-47540978-G-C.
Other names: c.1399G>C, p.Asp467His (NM_058174.3, NM_058175.3); short protein forms D467H.
Identifiers: ClinVar variation 2004109 (VCV002004109.4), dbSNP rs1464567484, ClinGen allele CA410531340.
Genomic context (GRCh38, chr21:46,121,064, plus strand): 5'-GACTCCAGGGTGCTGCTGTCAGTCAAGAGAACCCCAAATTCCTCCCCTTTCTTCCAGGGA[G>C]ACCGAGGCTTGCCTGGACCCAGAGGCCCCCAGGGAGCTCTTGGGGAGCCCGGAAAGCAGG-3'
Protein context (NP_001840.3, residues 457-477): GEVGNKGAKG[Asp467His]RGLPGPRGPQ

ClinVar aggregate classification (germline): Uncertain significance (1 of 4 stars; one submission).

Conditions:
Bethlem myopathy 1A. Also called: MYOPATHY, BENIGN CONGENITAL, WITH CONTRACTURES; Bethlem myopathy 1; Bethlem Muscular Dystrophy. Identifiers: Orphanet 610, MedGen CN029274, MONDO:0024530, OMIM 158810.

Submission:

Labcorp Genetics (formerly Invitae), Labcorp
Classification: Uncertain significance for Bethlem myopathy 1A. Last evaluated: 2022-06-09. Review status: criteria provided, single submitter. Criteria: Invitae Variant Classification Sherloc (09022015). Collection method: clinical testing. Allele origin: germline.
Comment: This variant has not been reported in the literature in individuals affected with COL6A2-related conditions. Algorithms developed to predict the effect of missense changes on protein structure and function are either unavailable or do not agree on the potential impact of this missense change (SIFT: "Deleterious"; PolyPhen-2: "Benign"; Align-GVGD: "Class C0"). In summary, the available evidence is currently insufficient to determine the role of this variant in disease. Therefore, it has been classified as a Variant of Uncertain Significance. This variant is not present in population databases (gnomAD no frequency). This sequence change replaces aspartic acid, which is acidic and polar, with histidine, which is basic and polar, at codon 467 of the COL6A2 protein (p.Asp467His).